The following is an entry in ClinVar:

NM_001042492.3(NF1):c.1392+1G>T

Gene: NF1 (neurofibromin 1; plus strand). Cytogenetic location: 17q11.2.
Variant type: single nucleotide variant.
Coding change: c.1392+1G>T on transcript NM_001042492.3 (MANE Select); the canonical splice donor site of the intron after coding-DNA position 1392, G replaced by T.
Molecular consequence: splice donor variant.
Genome position (GRCh38, 1-based): chr17:31,206,372, G>T. VCF-style: chr17-31206372-G-T. GRCh37 (hg19) VCF-style: chr17-29533390-G-T.
Other names: NC_000017.10:g.29533390G>T; c.1392+1G>T (NM_000267.3, NM_000267.4, NM_001128147.3).
Identifiers: ClinVar variation 1177439 (VCV001177439.7), dbSNP rs267604791, ClinGen allele CA398999963.

ClinVar aggregate classification (germline): Pathogenic/Likely pathogenic. Review status: criteria provided, multiple submitters, no conflicts (2 of 4 stars). 3 submissions from 3 submitters: Pathogenic (2); Likely pathogenic (1). Last evaluated 2026-09-24.

Conditions:
Neurofibromatosis, type 1 (NF1). Also called: Peripheral type neurofibromatosis; VON RECKLINGHAUSEN DISEASE; NEUROFIBROMATOSIS, TYPE I, SOMATIC; Neurofibromatosis, type I. Identifiers: Orphanet 636, MedGen C0027831, MONDO:0018975, OMIM 162200. Disease mechanism: loss of function.
Hereditary cancer-predisposing syndrome. Also called: Neoplastic Syndromes, Hereditary; Tumor predisposition; Hereditary Cancer Syndrome; Hereditary neoplastic syndrome. Identifiers: Orphanet 140162, MedGen C0027672, MeSH D009386, MONDO:0015356.
Cardiovascular phenotype. Identifiers: MedGen CN230736.

Submissions (5):

GeneDx
Classification: Pathogenic. Last evaluated: 2026-09-24. Review status: criteria provided, single submitter. Criteria: GeneDx Variant Classification Process June 2021. Collection method: clinical testing. Allele origin: germline.
Comment: Canonical splice site variant demonstrated to result in an in-frame loss of the adjacent exon in a gene for which loss of function is a known mechanism of disease (PMID: 23913538); Identified in patients with neurofibromatosis type 1 (NF1) referred for genetic testing at GeneDx and in published literature (PMID: 23913538, 31776437); Not observed at significant frequency in large population cohorts (gnomAD); Also known as IVS10a+1G>T; This variant is associated with the following publications: (PMID: 23913538, 31776437)

Ambry Genetics
Classification: Likely pathogenic for Cardiovascular phenotype; Hereditary cancer-predisposing syndrome. Last evaluated: 2025-09-15. Review status: criteria provided, single submitter. Criteria: Ambry Variant Classification Scheme 2023. Collection method: clinical testing. Allele origin: germline.
Comment: The c.1392+1G>T intronic variant results from a G to T substitution one nucleotide after coding exon 12 of the NF1 gene. This variant was reported in individual(s) with features consistent with Neurofibromatosis type 1 (Sabbagh A et al. Hum Mutat, 2013 Nov;34:1510-8; Kang E et al. J Hum Genet, 2020 Jan;65:79-89). This nucleotide position is highly conserved in available vertebrate species. In silico splice site analysis predicts that this alteration will weaken the native splice donor site. RNA studies have demonstrated that this alteration results in abnormal splicing in the set of samples tested (Ambry internal data). This variant is considered to be rare based on population cohorts in the Genome Aggregation Database (gnomAD). Alterations that disrupt the canonical splice site are expected to cause aberrant splicing, resulting in an abnormal protein or a transcript that is subject to nonsense-mediated mRNA decay. As such, this alteration is classified as likely pathogenic.

Clinical Genetics Service, Universitary Hospital 12 de Octubre
Classification: Pathogenic for Neurofibromatosis, type 1. Review status: criteria provided, single submitter. Criteria: ACMG Guidelines, 2015. Collection method: clinical testing. Allele origin: germline. Affected: yes.

Dr. Peter K. Rogan Lab, Western University
No classification provided (evidence only). Condition: Squamous cell lung carcinoma. Review status: no classification provided. Collection method: in vitro. Allele origin: not applicable. Functional consequence: skipped exon, retained intron. Not counted in ClinVar's aggregate classification.

MutSpliceDB: a database of splice sites variants effects on splicing, NIH
No classification provided (evidence only). Review status: no classification provided. Collection method: in vivo. Allele origin: not applicable. Functional consequence: retained intron. Not counted in ClinVar's aggregate classification.

Literature cited by the submitters: PubMed 23913538 (cited by Ambry Genetics); PubMed 31776437 (cited by Ambry Genetics).